The following is an entry in ClinVar:

NM_001042492.3(NF1):c.3596C>T (p.Thr1199Ile)

Gene: NF1 (neurofibromin 1; plus strand). Cytogenetic location: 17q11.2.
Variant type: single nucleotide variant.
Coding change: c.3596C>T on transcript NM_001042492.3 (MANE Select); coding-DNA position 3596, C replaced by T.
Protein change: p.Thr1199Ile; replaces threonine 1199 with isoleucine.
Molecular consequence: missense variant.
Genome position (GRCh38, 1-based): chr17:31,233,101, C>T. VCF-style: chr17-31233101-C-T. GRCh37 (hg19) VCF-style: chr17-29560119-C-T.
Other names: c.3596C>T, p.Thr1199Ile (NM_000267.4); short protein forms T1199I.
Identifiers: ClinVar variation 580044 (VCV000580044.18), dbSNP rs1555615047, ClinGen allele CA398990242.

ClinVar aggregate classification (germline): Pathogenic/Likely pathogenic. Review status: criteria provided, multiple submitters, no conflicts (2 of 4 stars). 4 submissions from 4 submitters: Pathogenic (1); Likely pathogenic (3). Last evaluated 2026-04-27.

Conditions:
Neurofibromatosis, type 1 (NF1). Also called: VON RECKLINGHAUSEN DISEASE; Neurofibromatosis, type I; NEUROFIBROMATOSIS, TYPE I, SOMATIC; Peripheral type neurofibromatosis. Identifiers: Orphanet 636, MedGen C0027831, MONDO:0018975, OMIM 162200. Disease mechanism: loss of function.
Cardiovascular phenotype. Identifiers: MedGen CN230736.
Hereditary cancer-predisposing syndrome. Also called: Tumor predisposition; Hereditary Cancer Syndrome; Neoplastic Syndromes, Hereditary; Hereditary neoplastic syndrome. Identifiers: Orphanet 140162, MedGen C0027672, MeSH D009386, MONDO:0015356.

Submissions (4):

Ambry Genetics
Classification: Likely pathogenic for Cardiovascular phenotype; Hereditary cancer-predisposing syndrome. Last evaluated: 2026-04-27. Review status: criteria provided, single submitter. Criteria: Ambry Variant Classification Scheme 2023. Collection method: clinical testing. Allele origin: germline.
Comment: The p.T1199I variant (also known as c.3596C>T), located in coding exon 27 of the NF1 gene, results from a C to T substitution at nucleotide position 3596. The threonine at codon 1199 is replaced by isoleucine, an amino acid with similar properties. This variant was reported in individual(s) with features consistent with neurofibromatosis type 1; in at least one individual, it was determined to be de novo (external communication). This amino acid position is highly conserved in available vertebrate species. In addition, this alteration is predicted to be deleterious by in silico analysis. This variant is considered to be rare based on population cohorts in the Genome Aggregation Database (gnomAD). Based on the majority of available evidence to date, this variant is likely to be pathogenic.

GeneDx
Classification: Likely pathogenic. Last evaluated: 2025-04-08. Review status: criteria provided, single submitter. Criteria: GeneDx Variant Classification Process June 2021. Collection method: clinical testing. Allele origin: germline. Affected: yes.
Comment: Not observed at significant frequency in large population cohorts (gnomAD); In silico analysis supports that this missense variant has a deleterious effect on protein structure/function; Has not been previously published as pathogenic or benign to our knowledge; This variant is associated with the following publications: (PMID: 23656349, Douben2023[Functional study], 25486365, 2121369, 22807134)

Labcorp Genetics (formerly Invitae), Labcorp
Classification: Pathogenic for Neurofibromatosis, type 1. Last evaluated: 2025-03-26. Review status: criteria provided, single submitter. Criteria: Invitae Variant Classification Sherloc (09022015). Collection method: clinical testing. Allele origin: germline.
Comment: This sequence change replaces threonine, which is neutral and polar, with isoleucine, which is neutral and non-polar, at codon 1199 of the NF1 protein (p.Thr1199Ile). This variant is not present in population databases (gnomAD no frequency). This missense change has been observed in individual(s) with clinical features of neurofibromatosis type-1 (PMID: 21520333; internal data). In at least one individual the variant was observed to be de novo. ClinVar contains an entry for this variant (Variation ID: 580044). Invitae Evidence Modeling of protein sequence and biophysical properties (such as structural, functional, and spatial information, amino acid conservation, physicochemical variation, residue mobility, and thermodynamic stability) indicates that this missense variant is expected to disrupt NF1 protein function with a positive predictive value of 95%. For these reasons, this variant has been classified as Pathogenic.

Genome-Nilou Lab
Classification: Likely pathogenic for Neurofibromatosis, type 1. Last evaluated: 2022-03-15. Review status: criteria provided, single submitter. Criteria: ACMG Guidelines, 2015. Collection method: clinical testing. Allele origin: germline. Affected: no.

Literature cited by the submitters: PubMed 21520333 (cited by Labcorp Genetics (formerly Invitae), Labcorp).